The following is an entry in ClinVar:

ClinVar aggregate classification (germline): Likely pathogenic. Review status: criteria provided, multiple submitters, no conflicts (2 of 4 stars). 2 submissions from 2 submitters: Likely pathogenic (2). Last evaluated 2024-06-13.

Conditions:
Microcephaly 2, primary, autosomal recessive, with or without cortical malformations. Also called: WDR62 Primary Microcephaly; MICROCEPHALY 2, PRIMARY, AUTOSOMAL RECESSIVE, WITH CORTICAL MALFORMATIONS. Identifiers: Orphanet 2512, MedGen C1858535, MONDO:0011435, OMIM 604317.
Autosomal recessive primary microcephaly. Identifiers: Orphanet 2512, MedGen C3711387, MONDO:0016660.

Submissions (2):

Fulgent Genetics
Classification: Likely pathogenic for Microcephaly 2, primary, autosomal recessive, with or without cortical malformations. Last evaluated: 2024-06-13. Review status: criteria provided, single submitter. Criteria: ACMG Guidelines, 2015. Collection method: clinical testing. Allele origin: germline.

Women's Health and Genetics/Laboratory Corporation of America, LabCorp
Classification: Likely pathogenic for Autosomal recessive primary microcephaly. Last evaluated: 2023-01-16. Review status: criteria provided, single submitter. Criteria: LabCorp Variant Classification Summary - May 2015. Collection method: clinical testing. Allele origin: germline.
Comment: Variant summary: WDR62 c.269+1G>T is located in a canonical splice-site and is predicted to affect mRNA splicing resulting in a significantly altered protein due to either exon skipping, shortening, or inclusion of intronic material. Several computational tools predict a significant impact on normal splicing: Two predict the variant abolishes a canonical 5' splicing donor site and two predict the variant weakens the 5' donor site. However, these predictions have yet to be confirmed by functional studies. The variant was absent in 250728 control chromosomes (gnomAD). To our knowledge, no occurrence of c.269+1G>T in individuals affected with Primary Autosomal Recessive Microcephaly and no experimental evidence demonstrating its impact on protein function have been reported. No clinical diagnostic laboratories have submitted clinical-significance assessments for this variant to ClinVar after 2014. Based on the evidence outlined above, the variant was classified as likely pathogenic.

NM_001083961.2(WDR62):c.269+1G>T

Gene: WDR62 (WD repeat domain 62; plus strand). Cytogenetic location: 19q13.12.
Variant type: single nucleotide variant.
Coding change: c.269+1G>T on transcript NM_001083961.2 (MANE Select); the canonical splice donor site of the intron after coding-DNA position 269, G replaced by T.
Molecular consequence: splice donor variant.
Genome position (GRCh38, 1-based): chr19:36,058,872, G>T. VCF-style: chr19-36058872-G-T. GRCh37 (hg19) VCF-style: chr19-36549774-G-T.
Other names: c.269+1G>T (NM_173636.5, NM_001411146.1, NM_001411145.1 and 1 more transcripts).
Identifiers: ClinVar variation 2429172 (VCV002429172.5), dbSNP rs2513393044, ClinGen allele CA405425303.